The following is an entry in ClinVar:

ClinVar aggregate classification (germline): Likely pathogenic (1 of 4 stars; one submission).

Conditions:
Brain small vessel disease 1 with or without ocular anomalies (BSVD1). Also called: GOULD SYNDROME 1; PORENCEPHALY, TYPE 1, AUTOSOMAL DOMINANT; BRAIN SMALL VESSEL DISEASE WITH HEMORRHAGE; Brain small vessel disease with or without ocular anomalies. Identifiers: Orphanet 2940, Orphanet 36383, Orphanet 99810, MedGen C4755307, MONDO:0008289, OMIM 175780.

Submission:

Prenatal Diagnosis Center, Shandong Provincal Hospital
Classification: Likely pathogenic for Brain small vessel disease 1 with or without ocular anomalies. Last evaluated: 2025-06-06. Review status: criteria provided, single submitter. Criteria: ACMG Guidelines, 2015. Collection method: clinical testing. Allele origin: de novo. Inheritance: Autosomal dominant inheritance. Affected: yes. Observed: 1 heterozygote.
Comment: This variant caused a heterozygous mutation leading to the substitution of glycine with arginine at amino acid position 76 (p.Gly76Arg) which is a missense mutation. The frequency in normal population databases is absent (PM2_Supporting). The comprehensive protein function prediction software REVEL predicted as deleterious (PP3_Moderate). According to ACMG guidelines, this variant is preliminarily classified as a Likely Pathogenic variant (PS2+PM2_Supporting+PP3_Moderate).

Literature cited by the submitters: PubMed 20301768.

NM_001845.6(COL4A1):c.226G>A (p.Gly76Arg)

Gene: COL4A1 (collagen type IV alpha 1 chain; minus strand). Cytogenetic location: 13q34.
Variant type: single nucleotide variant.
Coding change: c.226G>A on transcript NM_001845.6 (MANE Select); coding-DNA position 226, G replaced by A.
Protein change: p.Gly76Arg; replaces glycine 76 with arginine.
Molecular consequence: missense variant.
Genome position (GRCh38, 1-based): chr13:110,213,934, C>T on the plus strand (G>A on the coding strand, the complement: COL4A1 is on the minus strand). VCF-style: chr13-110213934-C-T. GRCh37 (hg19) VCF-style: chr13-110866281-C-T.
Other names: c.226G>A, p.Gly76Arg (NM_001303110.2); short protein forms G76R.
Identifiers: ClinVar variation 3902833 (VCV003902833.1).
Genomic context (GRCh38, chr13:110,213,934, plus strand): 5'-GAATGCGGGCAATCTTACATCCACCCACCCCCAATCCCACAGCCGTGCTTACCTTTTGTC[C>T]TGGTGGTCCCTGTGGCCCCTCAGGTCCTTGCATTCCAGGAAACCCAATGACACCTTGTAA-3'
Protein context (NP_001836.3, residues 66-86): QGPEGPQGPP[Gly76Arg]QKGDTGEPGL